The following is an entry in ClinVar:

ClinVar aggregate classification (germline): Pathogenic. Review status: reviewed by expert panel (3 of 4 stars). 18 submissions from 18 submitters: Pathogenic (1). 17 of the submissions do not count toward it. Last evaluated 2016-04-22.

Conditions:
Inherited breast cancer and ovarian cancer.
Hereditary cancer-predisposing syndrome. Also called: Hereditary neoplastic syndrome; Neoplastic Syndromes, Hereditary; Tumor predisposition; Hereditary Cancer Syndrome. Identifiers: Orphanet 140162, MedGen C0027672, MeSH D009386, MONDO:0015356.
Hereditary breast ovarian cancer syndrome. Also called: Breast and ovarian cancer; BRCA1- and BRCA2-Associated Hereditary Breast and Ovarian Cancer; Hereditary breast and/or ovarian cancer syndrome; Hereditary breast and ovarian cancer; Hereditary breast and ovarian cancer syndrome; Hereditary breast and ovarian cancer syndrome (HBOC). Identifiers: Orphanet 145, MedGen C0677776, MeSH D061325, MONDO:0003582. Disease mechanism: loss of function.
Breast-ovarian cancer, familial, susceptibility to, 2 (BROVCA2). Also called: BRCA2 Hereditary Breast and Ovarian Cancer. Identifiers: Orphanet 145, MedGen C2675520, MONDO:0012933, OMIM 612555. Disease mechanism: loss of function.
Familial cancer of breast. Also called: BREAST CANCER, FAMILIAL; Hereditary breast cancer; hereditary breast carcinoma. Identifiers: Orphanet 227535, MedGen C0346153, MONDO:0016419, OMIM 114480. Disease mechanism: loss of function.

Allele frequency attached by ClinVar (database versions not stated): gnomAD 0.00001; gnomAD exomes 0.00002; TOPMed below 0.00001.
gnomAD v4.1: 16 of 1,607,964 alleles (0.001%); highest among the groups gnomAD compares: Non-Finnish European, 0.0014%; no homozygotes.

Submissions 1 to 11 of 18:

Evidence-based Network for the Interpretation of Germline Mutant Alleles (ENIGMA)
Classification: Pathogenic for Breast-ovarian cancer, familial, susceptibility to, 2. Last evaluated: 2016-04-22. Review status: reviewed by expert panel. Criteria: ENIGMA BRCA1/2 Classification Criteria (2015). Collection method: curation. Allele origin: germline.
Comment: Variant allele predicted to encode a truncated non-functional protein.

Genetics Laboratory, Great Ormond Street Hospital NHS Foundation Trust, North Thames Genomic Laboratory Hub
Classification: Pathogenic for Inherited breast cancer and ovarian cancer. Last evaluated: 2026-09-10. Review status: criteria provided, single submitter. Criteria: CanVIG BRCA Gene Specific V1.22. Collection method: clinical testing. Allele origin: germline. Affected: yes. Not counted in ClinVar's aggregate classification.
Comment: PS4_very-strong, PM2_supporting, PVS1_very-strong, PM5_strong

Labcorp Genetics (formerly Invitae), Labcorp
Classification: Pathogenic for Hereditary breast ovarian cancer syndrome. Last evaluated: 2025-06-18. Review status: criteria provided, single submitter. Criteria: Invitae Variant Classification Sherloc (09022015). Collection method: clinical testing. Allele origin: germline. Not counted in ClinVar's aggregate classification.
Comment: This sequence change creates a premature translational stop signal (p.Leu1053*) in the BRCA2 gene. It is expected to result in an absent or disrupted protein product. Loss-of-function variants in BRCA2 are known to be pathogenic (PMID: 20104584). This variant is not present in population databases (gnomAD no frequency). This premature translational stop signal has been observed in individual(s) with prostate cancer and increased risk of breast and ovarian cancers (PMID: 21952622, 23524863, 23569316, 28814288, 29446198). This variant is also known as 3386T>G. ClinVar contains an entry for this variant (Variation ID: 37820). For these reasons, this variant has been classified as Pathogenic.

Molecular Diagnostics Laboratory, Catalan Institute of Oncology
Classification: Pathogenic for Hereditary cancer-predisposing syndrome. Last evaluated: 2025-06-12. Review status: criteria provided, single submitter. Criteria: ClinGen BRCA1BRCA2 ACMG Specifications BRCA2 V1.0.0. Collection method: clinical testing. Allele origin: germline. Not counted in ClinVar's aggregate classification.
Comment: PVS1, PM2_Supporting, PM5_PTC_Strong c.3158T>G, located in exon 11 of the BRCA2 gene, is a nonsense variant expected to result in loss of function by premature protein truncation and nonsense-mediated mRNA decay, p.(Leu1053Ter)(PVS1, PM5_PTC_Strong). It is not present in the population database gnomAD v2.1.1, non cancer dataset (PM2_supporting). To our knowledge, neither relevant clinical data nor well-stablished functional studies have been reported for this variant. In addition, this variant has been reported in the ClinVar database (14x pathogenic) and in the BRCA Exchange database as a pathogenic variant (�Variant allele predicted to encode a truncated non-functional protein). Based on currently available information, the variant c.3158T>G should be considered a pathogenic variant according to ClinGen-BRCA2 Guidelines version v1.0.0.

Ambry Genetics
Classification: Pathogenic for Hereditary cancer-predisposing syndrome. Last evaluated: 2025-02-12. Review status: criteria provided, single submitter. Criteria: Ambry Variant Classification Scheme 2023. Collection method: clinical testing. Allele origin: germline. Not counted in ClinVar's aggregate classification.
Comment: The p.L1053* pathogenic mutation (also known as c.3158T>G), located in coding exon 10 of the BRCA2 gene, results from a T to G substitution at nucleotide position 3158. This changes the amino acid from a leucine to a stop codon within coding exon 10. This mutation has been detected in hereditary breast/ovarian cancer families (Lubinski J et al. Fam. Cancer 2004 ;3(1):1-10; Elimam AA et al. BMC Med. Genet. 2017 08;18(1):85) as well as in individuals with early-onset and/or familial prostate cancer (Kote-Jarai Z et al. Br. J. Cancer 2011 Oct;105(8):1230-4; Castro E et al. J. Clin. Oncol. 2013 May;31:1748-57). In addition to the clinical data presented in the literature, this alteration is expected to result in loss of function by premature protein truncation or nonsense-mediated mRNA decay. As such, this alteration is interpreted as a disease-causing mutation.

Molecular Pathology, Peter Maccallum Cancer Centre
Classification: Pathogenic for Breast-ovarian cancer, familial, susceptibility to, 2. Last evaluated: 2024-10-14. Review status: criteria provided, single submitter. Criteria: ACMG Guidelines, 2015. Collection method: clinical testing. Allele origin: germline. Inheritance: Autosomal dominant inheritance. Not counted in ClinVar's aggregate classification.

Baylor Genetics
Classification: Pathogenic for Familial cancer of breast. Last evaluated: 2023-07-08. Review status: criteria provided, single submitter. Criteria: ACMG Guidelines, 2015. Collection method: clinical testing. Allele origin: unknown. Not counted in ClinVar's aggregate classification.

Quest Diagnostics Nichols Institute San Juan Capistrano
Classification: Pathogenic. Last evaluated: 2023-06-29. Review status: criteria provided, single submitter. Criteria: Quest Diagnostics criteria. Collection method: clinical testing. Allele origin: unknown. Not counted in ClinVar's aggregate classification.
Comment: The BRCA2 c.3158T>G (p.Leu1053*) variant causes the premature termination of BRCA2 protein synthesis. This variant has been reported in the published literature in an affected individual with breast cancer (PMID: 28814288 (2017)), as well as in individuals with prostate cancer (PMIDs: 32853339 (2021), 29915322 (2018), 23569316 (2013), and 21952622 (2011)). This variant has not been reported in large, multi-ethnic general populations (Genome Aggregation Database). Based on the available information, this variant is classified as pathogenic.

GeneDx
Classification: Pathogenic. Last evaluated: 2022-05-17. Review status: criteria provided, single submitter. Criteria: GeneDx Variant Classification Process June 2021. Collection method: clinical testing. Allele origin: germline. Affected: yes. Not counted in ClinVar's aggregate classification.
Comment: Nonsense variant predicted to result in protein truncation or nonsense mediated decay in a gene for which loss of function is a known mechanism of disease; Not observed at significant frequency in large population cohorts (gnomAD); Truncating variants in this gene are considered pathogenic by a well-established clinical consortium and/or database; Observed in individuals with a personal and/or family history of breast and/or prostate cancer, as well as in unaffected controls (Kote-Jarai 2011, Song 2014, Dobbins 2016, Elimam 2017, Mijuskovic 2018); Also known as 3386T>G; This variant is associated with the following publications: (PMID: 19329713, 29915322, 27356891, 15131399, 21952622, 25525159, 29339979, 29446198, 32853339, 33087929, 21702907, 20002770, 23569316, 27225637, 28814288, 24728189)

Color Diagnostics, LLC DBA Color Health
Classification: Pathogenic for Hereditary cancer-predisposing syndrome. Last evaluated: 2020-05-26. Review status: criteria provided, single submitter. Criteria: ACMG Guidelines, 2015. Collection method: clinical testing. Allele origin: germline. Not counted in ClinVar's aggregate classification.
Comment: This variant changes 1 nucleotide in exon 11 of the BRCA2 gene, creating a premature translation stop signal. This variant is expected to result in an absent or non-functional protein product. This variant has not been identified in the general population by the Genome Aggregation Database (gnomAD). Loss of BRCA2 function is a known mechanism of disease. Based on the available evidence, this variant is classified as Pathogenic.

Laboratory for Molecular Medicine, Mass General Brigham Personalized Medicine
Classification: Pathogenic for Hereditary breast ovarian cancer syndrome. Last evaluated: 2019-10-14. Review status: criteria provided, single submitter. Criteria: ACMG Guidelines, 2015. Collection method: clinical testing. Allele origin: germline. Not counted in ClinVar's aggregate classification.
Comment: The p.Leu1053X variant in BRCA2 has been reported in at least 11 individuals with BRCA2-related cancers (Lubinski 2004, Kote-Jarai 2011, Elimam 2017, Mijuskovic 2018, Sandhu 2013, BIC database) and was absent from large population studies. This nonsense variant creates a premature termination codon at position 1053, which is predicted to lead to a truncated or absent protein. Loss of function of the BRCA2 gene is an established disease mechanism in autosomal dominant hereditary breast and ovarian cancer syndrome (HBOC). Additionally, this variant was classified as pathogenic on Apr 22, 2016 by the ClinGen-approved ENIGMA expert panel (ClinVar Variation ID: 37820). In summary, this variant meets criteria to be classified as pathogenic for autosomal dominant HBOC. ACMG/AMP Criteria applied: PVS1, PM2, PS4_Moderate.

NM_000059.4(BRCA2):c.3158T>G (p.Leu1053Ter)

Gene: BRCA2 (BRCA2 DNA repair associated; plus strand). Cytogenetic location: 13q13.1.
Variant type: single nucleotide variant.
Coding change: c.3158T>G on transcript NM_000059.4 (MANE Select); coding-DNA position 3158, T replaced by G.
Protein change: p.Leu1053Ter; replaces leucine 1053 with a stop codon.
Molecular consequence: nonsense.
Genome position (GRCh38, 1-based): chr13:32,337,513, T>G. VCF-style: chr13-32337513-T-G. GRCh37 (hg19) VCF-style: chr13-32911650-T-G.
Other names: 3386T>G; short protein forms L1053*.
Identifiers: ClinVar variation 37820 (VCV000037820.34), dbSNP rs41293477, ClinGen allele CA017322.